The following is an entry in ClinVar:

NM_001081.4(CUBN):c.7971A>G (p.Pro2657=)

Gene: CUBN (cubilin; minus strand). Cytogenetic location: 10p13.
Variant type: single nucleotide variant.
Coding change: c.7971A>G on transcript NM_001081.4 (MANE Select); coding-DNA position 7971, A replaced by G.
Protein change: p.Pro2657=; no amino-acid change (proline 2657 retained).
Molecular consequence: synonymous variant.
Genome position (GRCh38, 1-based): chr10:16,904,057, T>C on the plus strand (A>G on the coding strand, the complement: CUBN is on the minus strand). VCF-style: chr10-16904057-T-C. GRCh37 (hg19) VCF-style: chr10-16946056-T-C.
Identifiers: ClinVar variation 696925 (VCV000696925.14), dbSNP rs140160866, ClinGen allele CA5423182.

ClinVar aggregate classification (germline): Likely benign. Review status: criteria provided, multiple submitters, no conflicts (2 of 4 stars). 3 submissions from 3 submitters: Likely benign (2). 1 of the submissions does not count toward it. Last evaluated 2025-12-01.

Conditions:
CUBN-related disorder. Also called: CUBN-related condition.
Imerslund-Grasbeck syndrome type 1 (IGS1). Also called: Megaloblastic anemia 1, Finnish type; MEGALOBLASTIC ANEMIA, 1; Imerslund-Gräsbeck syndrome 1. Identifiers: MedGen C4016819, MONDO:0100156, OMIM 261100.
Proteinuria, chronic benign. Identifiers: MedGen C5394384, MONDO:0030042, OMIM 618884.
Imerslund-Grasbeck syndrome. Also called: Megaloblastic anemia due to inborn errors of metabolism; ENTEROCYTE COBALAMIN MALABSORPTION; ENTEROCYTE INTRINSIC FACTOR RECEPTOR, DEFECT OF; Imerslund-Gräsbeck syndrome; PERNICIOUS ANEMIA, JUVENILE, DUE TO SELECTIVE INTESTINAL MALABSORPTION OF VITAMIN B12, WITH PROTEINURIA. Identifiers: Orphanet 35858, MedGen C4551825, MONDO:0009853.

Allele frequency attached by ClinVar (database versions not stated): gnomAD exomes 0.00008 and 0.00002; ExAC 0.00010; ESP Exome Variant Server 0.00015; gnomAD 0.00030; 1000 Genomes Project 0.00140; TOPMed 0.00026; 1000 Genomes Project 30x 0.00156.
gnomAD v4.1: 76 of 1,613,400 alleles (0.0047%); highest among the groups gnomAD compares: African/African-American, 0.093%; no homozygotes.

Submissions (3):

Labcorp Genetics (formerly Invitae), Labcorp
Classification: Likely benign for Imerslund-Grasbeck syndrome. Last evaluated: 2025-12-01. Review status: criteria provided, single submitter. Criteria: Invitae Variant Classification Sherloc (09022015). Collection method: clinical testing. Allele origin: germline.

Fulgent Genetics
Classification: Likely benign for Imerslund-Grasbeck syndrome type 1; Proteinuria, chronic benign. Last evaluated: 2021-07-24. Review status: criteria provided, single submitter. Criteria: ACMG Guidelines, 2015. Collection method: clinical testing. Allele origin: unknown.

PreventionGenetics, part of Exact Sciences
Classification: Likely benign for CUBN-related condition. Last evaluated: 2019-04-22. Review status: no assertion criteria provided. Collection method: clinical testing. Allele origin: germline. Not counted in ClinVar's aggregate classification.
Comment: This variant is classified as likely benign based on ACMG/AMP sequence variant interpretation guidelines (Richards et al. 2015 PMID: 25741868, with internal and published modifications).